The following is an entry in ClinVar:

NM_005775.5(SORBS3):c.698T>C (p.Val233Ala)

Gene: SORBS3 (sorbin and SH3 domain containing 3; plus strand). Cytogenetic location: 8p21.3.
Variant type: single nucleotide variant.
Coding change: c.698T>C on transcript NM_005775.5 (MANE Select); coding-DNA position 698, T replaced by C.
Protein change: p.Val233Ala; replaces valine 233 with alanine.
Molecular consequence: missense variant.
Genome position (GRCh38, 1-based): chr8:22,564,305, T>C. VCF-style: chr8-22564305-T-C. GRCh37 (hg19) VCF-style: chr8-22421818-T-C.
Other names: c.698T>C (NM_005775.4); short protein forms V233A.
Identifiers: ClinVar variation 2658468 (VCV002658468.25), dbSNP rs62492622, ClinGen allele CA4668507.

ClinVar aggregate classification (germline): Likely benign. Review status: criteria provided, multiple submitters, no conflicts (2 of 4 stars). 2 submissions from 2 submitters: Likely benign (2). Last evaluated 2025-08-22.

Allele frequency attached by ClinVar (database versions not stated): ESP Exome Variant Server 0.00054; gnomAD 0.00054; 1000 Genomes Project 0.00060; 1000 Genomes Project 30x 0.00062; TOPMed 0.00067; ExAC 0.00076.
gnomAD v4.1: 1,192 of 1,610,412 alleles (0.074%); highest among the groups gnomAD compares: Non-Finnish European, 0.093%; 1 homozygote.

Submissions (2):

Ambry Genetics
Classification: Likely benign. Last evaluated: 2025-08-22. Review status: criteria provided, single submitter. Criteria: Ambry Variant Classification Scheme 2023. Collection method: clinical testing. Allele origin: germline.

CeGaT Center for Human Genetics Tuebingen
Classification: Likely benign. Last evaluated: 2022-10-01. Review status: criteria provided, single submitter. Criteria: CeGaT Center For Human Genetics Tuebingen Variant Classification Criteria Version 2. Collection method: clinical testing. Allele origin: germline. Affected: yes. Observed: 1 variant allele.
Comment: SORBS3: BP4